The following is an entry in ClinVar:

NM_198880.3(QRICH1):c.1282C>T (p.Gln428Ter)

Gene: QRICH1 (glutamine rich 1; minus strand). Cytogenetic location: 3p21.31.
Variant type: single nucleotide variant.
Coding change: c.1282C>T on transcript NM_198880.3 (MANE Select); coding-DNA position 1282, C replaced by T.
Protein change: p.Gln428Ter; replaces glutamine 428 with a stop codon.
Molecular consequence: nonsense.
Genome position (GRCh38, 1-based): chr3:49,056,918, G>A on the plus strand (C>T on the coding strand, the complement: QRICH1 is on the minus strand). VCF-style: chr3-49056918-G-A. GRCh37 (hg19) VCF-style: chr3-49094351-G-A.
Other names: c.1282C>T, p.Gln428Ter (NM_001320580.2, NM_001320581.2, NM_001320582.2 and 4 more transcripts); short protein forms Q428*.
Identifiers: ClinVar variation 5006640 (VCV005006640.2).

ClinVar aggregate classification (germline): Likely pathogenic (1 of 4 stars; one submission).

Conditions:
Ververi-Brady syndrome 1. Identifiers: Orphanet 580940, MedGen C6065891, MONDO:0060707, OMIM 617982.

Submission:

Juno Genomics, Hangzhou Juno Genomics, Inc
Classification: Likely pathogenic for Ververi-Brady syndrome 1. Review status: criteria provided, single submitter. Criteria: ACMG Guidelines, 2015. Collection method: clinical testing. Allele origin: germline.
Comment: Null variant in a gene where loss of function (LOF) is a known mechanism of disease.;Absent from controls (or at extremely low frequency if recessive) in Genome Aggregation Database.